The following is an entry in ClinVar:

NM_000059.4(BRCA2):c.5345A>C (p.Gln1782Pro)

Gene: BRCA2 (BRCA2 DNA repair associated; plus strand). Cytogenetic location: 13q13.1.
Variant type: single nucleotide variant.
Coding change: c.5345A>C on transcript NM_000059.4 (MANE Select); coding-DNA position 5345, A replaced by C.
Protein change: p.Gln1782Pro; replaces glutamine 1782 with proline.
Molecular consequence: missense variant.
Genome position (GRCh38, 1-based): chr13:32,339,700, A>C. VCF-style: chr13-32339700-A-C. GRCh37 (hg19) VCF-style: chr13-32913837-A-C.
Other names: short protein forms Q1782P.
Identifiers: ClinVar variation 185362 (VCV000185362.24), dbSNP rs758959174, ClinGen allele CA022082.

ClinVar aggregate classification (germline): Conflicting classifications of pathogenicity. Review status: criteria provided, conflicting classifications (1 of 4 stars). 7 submissions from 7 submitters: Uncertain significance (6); Likely benign (1). Last evaluated 2025-11-03.

Conditions:
BRCA2-related cancer predisposition. Identifiers: MedGen CN377758, MONDO:0700269.
Hereditary cancer-predisposing syndrome. Also called: Tumor predisposition; Hereditary Cancer Syndrome; Hereditary neoplastic syndrome; Neoplastic Syndromes, Hereditary. Identifiers: Orphanet 140162, MedGen C0027672, MeSH D009386, MONDO:0015356.
Hereditary breast ovarian cancer syndrome. Also called: Breast and ovarian cancer; Hereditary breast and ovarian cancer syndrome; Hereditary breast and ovarian cancer; BRCA1- and BRCA2-Associated Hereditary Breast and Ovarian Cancer; Hereditary breast and ovarian cancer syndrome (HBOC); Hereditary breast and/or ovarian cancer syndrome. Identifiers: Orphanet 145, MedGen C0677776, MeSH D061325, MONDO:0003582. Disease mechanism: loss of function.
Breast-ovarian cancer, familial, susceptibility to, 2 (BROVCA2). Also called: BRCA2 Hereditary Breast and Ovarian Cancer. Identifiers: Orphanet 145, MedGen C2675520, MONDO:0012933, OMIM 612555. Disease mechanism: loss of function.

Allele frequency attached by ClinVar (database versions not stated): gnomAD exomes below 0.00001; ExAC 0.00001.

Submissions (7):

Labcorp Genetics (formerly Invitae), Labcorp
Classification: Uncertain significance for Hereditary breast ovarian cancer syndrome. Last evaluated: 2025-11-03. Review status: criteria provided, single submitter. Criteria: Invitae Variant Classification Sherloc (09022015). Collection method: clinical testing. Allele origin: germline.
Comment: This sequence change replaces glutamine, which is neutral and polar, with proline, which is neutral and non-polar, at codon 1782 of the BRCA2 protein (p.Gln1782Pro). This variant is present in population databases (rs758959174, gnomAD 0.0009%). This missense change has been observed in individual(s) with breast and/or ovarian cancer (PMID: 32438681). ClinVar contains an entry for this variant (Variation ID: 185362). Invitae Evidence Modeling of protein sequence and biophysical properties (such as structural, functional, and spatial information, amino acid conservation, physicochemical variation, residue mobility, and thermodynamic stability) indicates that this missense variant is not expected to disrupt BRCA2 protein function with a negative predictive value of 95%. In summary, the available evidence is currently insufficient to determine the role of this variant in disease. Therefore, it has been classified as a Variant of Uncertain Significance.

Color Diagnostics, LLC DBA Color Health
Classification: Uncertain significance for Hereditary cancer-predisposing syndrome. Last evaluated: 2025-09-30. Review status: criteria provided, single submitter. Criteria: ACMG Guidelines, 2015. Collection method: clinical testing. Allele origin: germline.
Comment: This missense variant replaces glutamine with proline at codon 1782 of the BRCA2 protein. Computational prediction suggests that this variant may not impact protein structure and function. To our knowledge, functional studies have not been reported for this variant. This variant has been reported in an individual affected with breast or ovarian cancer (PMID: 32438681). Multifactorial analysis on clinical data has reached a combined likelihood ratio (LR) of 1.81 from published LR for 1 carrier (PMID: 31853058). This variant has not been identified in the general population by the Genome Aggregation Database (gnomAD). The available evidence is insufficient to determine the role of this variant in disease conclusively. Therefore, this variant is classified as a Variant of Uncertain Significance.

Department of Pathology and Laboratory Medicine, Sinai Health System
Classification: Uncertain significance for BRCA2-related cancer predisposition. Last evaluated: 2023-12-13. Review status: criteria provided, single submitter. Criteria: ACMG Guidelines, 2015. Collection method: clinical testing. Allele origin: germline. Affected: no.

Ambry Genetics
Classification: Uncertain significance for Hereditary cancer-predisposing syndrome. Last evaluated: 2023-10-10. Review status: criteria provided, single submitter. Criteria: Ambry Variant Classification Scheme 2023. Collection method: clinical testing. Allele origin: germline.
Comment: The p.Q1782P variant (also known as c.5345A>C), located in coding exon 10 of the BRCA2 gene, results from an A to C substitution at nucleotide position 5345. The glutamine at codon 1782 is replaced by proline, an amino acid with similar properties. This amino acid position is poorly conserved in available vertebrate species. In addition, this alteration is predicted to be tolerated by in silico analysis. Since supporting evidence is limited at this time, the clinical significance of this alteration remains unclear.

All of Us Research Program, National Institutes of Health
Classification: Uncertain significance for Breast-ovarian cancer, familial, susceptibility to, 2. Last evaluated: 2023-05-04. Review status: criteria provided, single submitter. Criteria: ACMG Guidelines, 2015. Collection method: clinical testing. Allele origin: germline. Inheritance: Autosomal dominant inheritance. Observed: 1 variant allele, 1 heterozygote.
Comment: This missense variant replaces glutamine with proline at codon 1782 of the BRCA2 protein. Computational prediction suggests that this variant may not impact protein structure and function (internally defined REVEL score threshold <= 0.5, PMID: 27666373). To our knowledge, functional studies have not been reported for this variant. This variant has been reported in an individual affected with breast or ovarian cancer (PMID: 32438681). This variant has been identified in 1/250546 chromosomes in the general population by the Genome Aggregation Database (gnomAD). The available evidence is insufficient to determine the role of this variant in disease conclusively. Therefore, this variant is classified as a Variant of Uncertain Significance.

This study involves interpretation of variants in research participants for the purpose of population health screening. Participant phenotype was not available at the time of variant classification. Additional details can be found in publication PMID: 35346344, PMCID: PMC8962531

University of Washington Department of Laboratory Medicine, University of Washington
Classification: Likely benign for Hereditary cancer-predisposing syndrome. Last evaluated: 2023-03-23. Review status: criteria provided, single submitter. Criteria: Dines et al. (Genet Med. 2020). Collection method: curation. Allele origin: germline.
Comment: Missense variant in a coldspot region where missense variants are very unlikely to be pathogenic (PMID:31911673).

BRCA2 exon 11 coldspot. Reclassification based on statistical prior probability.

GeneDx
Classification: Uncertain significance. Last evaluated: 2020-06-09. Review status: criteria provided, single submitter. Criteria: GeneDx Variant Classification Process June 2021. Collection method: clinical testing. Allele origin: germline. Affected: yes.
Comment: Not observed at a significant frequency in large population cohorts (Lek et al., 2016); In silico analysis supports that this missense variant has a deleterious effect on protein structure/function; Has not been previously published as pathogenic or benign to our knowledge; Also known as 5573A>C

Literature cited by the submitters: PubMed 32438681 (cited by 5 submitters); PubMed 31853058 (cited by Color Diagnostics, LLC DBA Color Health).